The following is an entry in ClinVar:

ClinVar aggregate classification (germline): Uncertain significance (1 of 4 stars; one submission).

Conditions:
Inborn genetic diseases. Identifiers: MedGen C0950123, MeSH D030342.

Submission:

Ambry Genetics
Classification: Uncertain significance for Inborn genetic diseases. Last evaluated: 2026-07-07. Review status: criteria provided, single submitter. Criteria: Ambry Variant Classification Scheme 2023. Collection method: clinical testing. Allele origin: germline.
Comment: The p.R230P variant (also known as c.689G>C), located in coding exon 2 of the GATA2 gene, results from a G to C substitution at nucleotide position 689. The arginine at codon 230 is replaced by proline, an amino acid with dissimilar properties. This amino acid position is conserved. In addition, this alteration is predicted to be deleterious by in silico analysis. Based on the available evidence, the clinical significance of this variant remains unclear.

NM_032638.5(GATA2):c.689G>C (p.Arg230Pro)

Gene: GATA2 (GATA binding protein 2; minus strand). Cytogenetic location: 3q21.3.
Variant type: single nucleotide variant.
Coding change: c.689G>C on transcript NM_032638.5 (MANE Select); coding-DNA position 689, G replaced by C.
Protein change: p.Arg230Pro; replaces arginine 230 with proline.
Molecular consequence: missense variant.
Genome position (GRCh38, 1-based): chr3:128,485,909, C>G on the plus strand (G>C on the coding strand, the complement: GATA2 is on the minus strand). VCF-style: chr3-128485909-C-G. GRCh37 (hg19) VCF-style: chr3-128204752-C-G.
Other names: c.689G>C, p.Arg230Pro (NM_001145661.2, NM_001145662.1); short protein forms R230P.
Identifiers: ClinVar variation 5022209 (VCV005022209.1).